The following is an entry in ClinVar:

ClinVar aggregate classification (germline): Likely benign (1 of 4 stars; one submission).

Allele frequency attached by ClinVar (database versions not stated): gnomAD exomes 0.00001.
gnomAD v4.1: 7 of 1,612,292 alleles (0.00043%); highest among the groups gnomAD compares: Non-Finnish European, 0.00059%; no homozygotes.

Submission:

GeneDx
Classification: Likely benign. Last evaluated: 2015-10-20. Review status: criteria provided, single submitter. Criteria: GeneDx Variant Classification (06012015). Collection method: clinical testing. Allele origin: germline. Affected: yes.
Comment: This variant is considered likely benign or benign based on one or more of the following criteria: it is a conservative change, it occurs at a poorly conserved position in the protein, it is predicted to be benign by multiple in silico algorithms, and/or has population frequency not consistent with disease.

NM_000215.4(JAK3):c.48C>T (p.Cys16=)

Gene: JAK3 (Janus kinase 3; minus strand). Cytogenetic location: 19p13.11.
Variant type: single nucleotide variant.
Coding change: c.48C>T on transcript NM_000215.4 (MANE Select); coding-DNA position 48, C replaced by T.
Protein change: p.Cys16=; no amino-acid change (cysteine 16 retained).
Molecular consequence: synonymous variant.
Genome position (GRCh38, 1-based): chr19:17,844,370, G>A on the plus strand (C>T on the coding strand, the complement: JAK3 is on the minus strand). VCF-style: chr19-17844370-G-A. GRCh37 (hg19) VCF-style: chr19-17955179-G-A.
Identifiers: ClinVar variation 381092 (VCV000381092.1), dbSNP rs1057520953, ClinGen allele CA16608102.
Genomic context (GRCh38, chr19:17,844,370, plus strand): 5'-CCCGGGGCCCCGAGCGGGCAGCAGCACATGCAGGGCACCAGCCTCCGTGGACAAGAGGCT[G>A]CATGAACGCTGAGGGATCAGGGGCGTCTCTTCACTTGGAGGTGCCATGAGTGCAACTTGC-3'
Protein context (NP_000206.2, residues 6-26): EETPLIPQRS[Cys16=]SLLSTEAGAL